The following is an entry in ClinVar:

ClinVar aggregate classification (germline): Uncertain significance (1 of 4 stars; one submission).

Conditions:
Retinitis pigmentosa 71 (RP71). Identifiers: Orphanet 791, MedGen C4225342, MONDO:0014618, OMIM 616394.
Short-rib thoracic dysplasia 10 with or without polydactyly (SRTD10). Identifiers: Orphanet 474, MedGen C3810175, MONDO:0014284, OMIM 615630.

Allele frequency attached by ClinVar (database versions not stated): gnomAD 0.00001; gnomAD exomes 0.00001; TOPMed 0.00001.
gnomAD v4.1: 10 of 1,607,652 alleles (0.00062%); highest among the groups gnomAD compares: Non-Finnish European, 0.00085%; no homozygotes.

Submission:

Labcorp Genetics (formerly Invitae), Labcorp
Classification: Uncertain significance for Retinitis pigmentosa 71; Short-rib thoracic dysplasia 10 with or without polydactyly. Last evaluated: 2022-12-06. Review status: criteria provided, single submitter. Criteria: Invitae Variant Classification Sherloc (09022015). Collection method: clinical testing. Allele origin: germline.
Comment: This variant has not been reported in the literature in individuals affected with IFT172-related conditions. In summary, the available evidence is currently insufficient to determine the role of this variant in disease. Therefore, it has been classified as a Variant of Uncertain Significance. Algorithms developed to predict the effect of sequence changes on RNA splicing suggest that this variant may disrupt the consensus splice site. Advanced modeling of protein sequence and biophysical properties (such as structural, functional, and spatial information, amino acid conservation, physicochemical variation, residue mobility, and thermodynamic stability) performed at Invitae indicates that this missense variant is not expected to disrupt IFT172 protein function. ClinVar contains an entry for this variant (Variation ID: 858245). This variant is not present in population databases (gnomAD no frequency). This sequence change replaces aspartic acid, which is acidic and polar, with asparagine, which is neutral and polar, at codon 513 of the IFT172 protein (p.Asp513Asn).

NM_015662.3(IFT172):c.1537G>A (p.Asp513Asn)

Gene: IFT172 (intraflagellar transport 172; minus strand). Cytogenetic location: 2p23.3.
Variant type: single nucleotide variant.
Coding change: c.1537G>A on transcript NM_015662.3 (MANE Select); coding-DNA position 1537, G replaced by A.
Protein change: p.Asp513Asn; replaces aspartic acid 513 with asparagine.
Molecular consequence: missense variant.
Genome position (GRCh38, 1-based): chr2:27,471,083, C>T on the plus strand (G>A on the coding strand, the complement: IFT172 is on the minus strand). VCF-style: chr2-27471083-C-T. GRCh37 (hg19) VCF-style: chr2-27693950-C-T.
Other names: short protein forms D513N.
Identifiers: ClinVar variation 858245 (VCV000858245.9), dbSNP rs959481954, ClinGen allele CA44509005.